The following is an entry in ClinVar:

NM_133433.4(NIPBL):c.611-3C>T

Gene: NIPBL (NIPBL cohesin loading factor; plus strand). Cytogenetic location: 5p13.2.
Variant type: single nucleotide variant.
Coding change: c.611-3C>T on transcript NM_133433.4 (MANE Select); 3 bases into the intron before coding-DNA position 611, C replaced by T.
Molecular consequence: intron variant.
Genome position (GRCh38, 1-based): chr5:36,970,873, C>T. VCF-style: chr5-36970873-C-T. GRCh37 (hg19) VCF-style: chr5-36970975-C-T.
Other names: c.611-3C>T (NM_015384.5).
Identifiers: ClinVar variation 2005424 (VCV002005424.4), dbSNP rs2479088670, ClinGen allele CA2580073197.
Genomic context (GRCh38, chr5:36,970,873, plus strand): 5'-TACTATTCTCCAAGAATGTTAAGAATCTTTTATTAAACCTTTTTTTATTCTTATTAATTT[C>T]AGCATCGGTATCAAGTCCCATTGTTGCAGGTGGTTTGAGAAACATACATGATAATAAAGT-3'

ClinVar aggregate classification (germline): Uncertain significance (1 of 4 stars; one submission).

Conditions:
Cornelia de Lange syndrome 1 (CDLS1). Also called: Brachmann de Lange syndrome; NIPBL-Related Cornelia de Lange Syndrome; TYPUS DEGENERATIVUS AMSTELODAMENSIS. Identifiers: Orphanet 199, MedGen C4551851, MONDO:0007387, OMIM 122470.

Submission:

Labcorp Genetics (formerly Invitae), Labcorp
Classification: Uncertain significance for Cornelia de Lange syndrome 1. Last evaluated: 2022-06-13. Review status: criteria provided, single submitter. Criteria: Invitae Variant Classification Sherloc (09022015). Collection method: clinical testing. Allele origin: germline.
Comment: In summary, the available evidence is currently insufficient to determine the role of this variant in disease. Therefore, it has been classified as a Variant of Uncertain Significance. Variants that disrupt the consensus splice site are a relatively common cause of aberrant splicing (PMID: 17576681, 9536098). Algorithms developed to predict the effect of sequence changes on RNA splicing suggest that this variant is not likely to affect RNA splicing. This variant has not been reported in the literature in individuals affected with NIPBL-related conditions. This variant is not present in population databases (gnomAD no frequency). This sequence change falls in intron 6 of the NIPBL gene. It does not directly change the encoded amino acid sequence of the NIPBL protein. It affects a nucleotide within the consensus splice site.

Literature cited by the submitters: PubMed 17576681; PubMed 9536098.